The following is an entry in ClinVar:

NM_001008537.3(NEXMIF):c.1793A>G (p.Asn598Ser)

Gene: NEXMIF (neurite extension and migration factor; minus strand). Cytogenetic location: Xq13.3.
Variant type: single nucleotide variant.
Coding change: c.1793A>G on transcript NM_001008537.3 (MANE Select); coding-DNA position 1793, A replaced by G.
Protein change: p.Asn598Ser; replaces asparagine 598 with serine.
Molecular consequence: missense variant.
Genome position (GRCh38, 1-based): chrX:74,742,764, T>C on the plus strand (A>G on the coding strand, the complement: NEXMIF is on the minus strand). VCF-style: chrX-74742764-T-C. GRCh37 (hg19) VCF-style: chrX-73962599-T-C.
Other names: short protein forms N598S.
Identifiers: ClinVar variation 3607374 (VCV003607374.2).

ClinVar aggregate classification (germline): Uncertain significance (1 of 4 stars; one submission).

gnomAD v4.1: 3 of 1,211,244 alleles (0.00025%); highest among the groups gnomAD compares: East Asian, 0.003%; no homozygotes.

Submission:

Labcorp Genetics (formerly Invitae), Labcorp
Classification: Uncertain significance. Last evaluated: 2024-05-06. Review status: criteria provided, single submitter. Criteria: Invitae Variant Classification Sherloc (09022015). Collection method: clinical testing. Allele origin: germline.
Comment: This sequence change replaces asparagine, which is neutral and polar, with serine, which is neutral and polar, at codon 598 of the NEXMIF protein (p.Asn598Ser). This variant is present in population databases (no rsID available, gnomAD 0.001%). This variant has not been reported in the literature in individuals affected with NEXMIF-related conditions. Algorithms developed to predict the effect of missense changes on protein structure and function output the following: SIFT: "Not Available"; PolyPhen-2: "Benign"; Align-GVGD: "Not Available". The serine amino acid residue is found in multiple mammalian species, which suggests that this missense change does not adversely affect protein function. In summary, the available evidence is currently insufficient to determine the role of this variant in disease. Therefore, it has been classified as a Variant of Uncertain Significance.